The following is an entry in ClinVar:

NM_201384.3(PLEC):c.8587A>T (p.Thr2863Ser)

Gene: PLEC (plectin; minus strand). Cytogenetic location: 8q24.3.
Variant type: single nucleotide variant.
Coding change: c.8587A>T on transcript NM_201384.3 (MANE Select); coding-DNA position 8587, A replaced by T.
Protein change: p.Thr2863Ser; replaces threonine 2863 with serine.
Molecular consequence: missense variant.
Genome position (GRCh38, 1-based): chr8:143,921,234, T>A on the plus strand (A>T on the coding strand, the complement: PLEC is on the minus strand). VCF-style: chr8-143921234-T-A. GRCh37 (hg19) VCF-style: chr8-144995402-T-A.
Other names: c.8668A>T, p.Thr2890Ser (NM_000445.5); c.8545A>T, p.Thr2849Ser (NM_201378.4); c.8521A>T, p.Thr2841Ser (NM_201379.3); c.8998A>T, p.Thr3000Ser (NM_201380.4); c.8491A>T, p.Thr2831Ser (NM_201381.3); c.8587A>T, p.Thr2863Ser (NM_201382.4); c.8599A>T, p.Thr2867Ser (NM_201383.3); short protein forms T2831S, T2867S, T3000S, T2849S, T2863S, T2890S, T2841S.
Identifiers: ClinVar variation 663522 (VCV000663522.8), dbSNP rs1586836153, ClinGen allele CA372515733.
Genomic context (GRCh38, chr8:143,921,234, plus strand): 5'-GCAGAAGGCACAGGCCCGTCTCGGGGTCCTCCACGCAGCGCTCCAGTAGCTGCAGGTACG[T>A]GAGGTTCTCGTGCGTGTTGGGGTCAAAGAAGCCCTTGGTGTCGTCGCTGGGGTCCGCCAG-3'
Protein context (NP_958786.1, residues 2853-2873): FFDPNTHENL[Thr2863Ser]YLQLLERCVE

ClinVar aggregate classification (germline): Uncertain significance. Review status: criteria provided, multiple submitters, no conflicts (2 of 4 stars). 2 submissions from 2 submitters: Uncertain significance (2). Last evaluated 2025-12-12.

Conditions:
PLEC-related disorder. Also called: PLEC-related condition; PLEC-related disorders.
Autosomal recessive limb-girdle muscular dystrophy type 2Q (LGMDR17). Also called: MUSCULAR DYSTROPHY, LIMB-GIRDLE, AUTOSOMAL RECESSIVE 17. Identifiers: Orphanet 254361, MedGen C3150989, MONDO:0013390, OMIM 613723.
Epidermolysis bullosa simplex 5B, with muscular dystrophy (EBS5B). Also called: EPIDERMOLYSIS BULLOSA SIMPLEX AND LIMB-GIRDLE MUSCULAR DYSTROPHY; Epidermolysis bullosa simplex with muscular dystrophy. Identifiers: Orphanet 257, MedGen C2931072, MONDO:0009181, OMIM 226670.
Epidermolysis bullosa simplex with nail dystrophy (EBS5D). Identifiers: MedGen C4225309, MONDO:0014661, OMIM 616487.
Epidermolysis bullosa simplex 5C, with pyloric atresia (EBS5C). Also called: PLEC-Related Epidermolysis Bullosa with Pyloric Atresia; Epidermolysis bullosa simplex with pyloric atresia; PLEC1-Related Epidermolysis Bullosa with Pyloric Atresia. Identifiers: Orphanet 158684, MedGen C2677349, MONDO:0012807, OMIM 612138.
Epidermolysis bullosa simplex, Ogna type (EBS5A). Also called: EPIDERMOLYSIS BULLOSA SIMPLEX 5A, OGNA TYPE; Pidermolysis bullosa simplex 5A, Ogna type. Identifiers: Orphanet 79401, MedGen C0432317, MONDO:0007555, OMIM 131950.

Allele frequency attached by ClinVar (database versions not stated): gnomAD exomes 0.00001; TOPMed below 0.00001; gnomAD 0.00001.
gnomAD v4.1: 10 of 1,613,698 alleles (0.00062%); highest among the groups gnomAD compares: Middle Eastern, 0.016%; no homozygotes.

Submissions (2):

PreventionGenetics, part of Exact Sciences
Classification: Uncertain significance for PLEC-related condition. Last evaluated: 2025-12-12. Review status: criteria provided, single submitter. Criteria: ACMG Guidelines, 2015. Collection method: clinical testing. Allele origin: germline.
Comment: The PLEC c.8668A>T variant is predicted to result in the amino acid substitution p.Thr2890Ser. This variant has been reported in the heterozygous state in two siblings with epidermolysis bullosa simplex (proband 5 and brother in Bolling et al. 2014. PubMed ID: 23774525). Immunofluorescence studies performed in skin cells showed normal HD121 but reduced 10F6 plectin staining (Bolling et al. 2014. PubMed ID: 23774525). This variant has not been reported in a large population database (gnomAD), indicating this variant is rare. Although we suspect that this variant may be pathogenic, at this time, the clinical significance of this variant is uncertain due to the absence of conclusive functional and genetic evidence.

Labcorp Genetics (formerly Invitae), Labcorp
Classification: Uncertain significance for Autosomal recessive limb-girdle muscular dystrophy type 2Q; Epidermolysis bullosa simplex, Ogna type; Epidermolysis bullosa simplex with nail dystrophy; Epidermolysis bullosa simplex 5C, with pyloric atresia; Epidermolysis bullosa simplex 5B, with muscular dystrophy. Last evaluated: 2024-10-30. Review status: criteria provided, single submitter. Criteria: Invitae Variant Classification Sherloc (09022015). Collection method: clinical testing. Allele origin: germline.
Comment: This sequence change replaces threonine, which is neutral and polar, with serine, which is neutral and polar, at codon 2890 of the PLEC protein (p.Thr2890Ser). This variant is not present in population databases (gnomAD no frequency). This missense change has been observed in individual(s) with epidermolysis bullosa simplex (PMID: 23774525). ClinVar contains an entry for this variant (Variation ID: 663522). An algorithm developed to predict the effect of missense changes on protein structure and function (PolyPhen-2) suggests that this variant is likely to be disruptive. In summary, the available evidence is currently insufficient to determine the role of this variant in disease. Therefore, it has been classified as a Variant of Uncertain Significance.

Literature cited by the submitters: PubMed 23774525 (cited by Labcorp Genetics (formerly Invitae), Labcorp).